The following is an entry in ClinVar:

ClinVar aggregate classification (germline): Uncertain significance (1 of 4 stars; one submission).

Submission:

Labcorp Genetics (formerly Invitae), Labcorp
Classification: Uncertain significance. Last evaluated: 2025-03-31. Review status: criteria provided, single submitter. Criteria: Invitae Variant Classification Sherloc (09022015). Collection method: clinical testing. Allele origin: germline.
Comment: This sequence change replaces glycine, which is neutral and non-polar, with glutamic acid, which is acidic and polar, at codon 68 of the KMT2A protein (p.Gly68Glu). This variant is not present in population databases (gnomAD no frequency). This variant has not been reported in the literature in individuals affected with KMT2A-related conditions. ClinVar contains an entry for this variant (Variation ID: 1492762). Invitae Evidence Modeling of protein sequence and biophysical properties (such as structural, functional, and spatial information, amino acid conservation, physicochemical variation, residue mobility, and thermodynamic stability) indicates that this missense variant is not expected to disrupt KMT2A protein function with a negative predictive value of 95%. In summary, the available evidence is currently insufficient to determine the role of this variant in disease. Therefore, it has been classified as a Variant of Uncertain Significance.

NM_001197104.2(KMT2A):c.203G>A (p.Gly68Glu)

Gene: KMT2A (lysine methyltransferase 2A; plus strand). Cytogenetic location: 11q23.3.
Variant type: single nucleotide variant.
Coding change: c.203G>A on transcript NM_001197104.2 (MANE Select); coding-DNA position 203, G replaced by A.
Protein change: p.Gly68Glu; replaces glycine 68 with glutamic acid.
Molecular consequence: missense variant.
Genome position (GRCh38, 1-based): chr11:118,436,715, G>A. VCF-style: chr11-118436715-G-A. GRCh37 (hg19) VCF-style: chr11-118307430-G-A.
Other names: c.203G>A, p.Gly68Glu (NM_005933.4); short protein forms G68E.
Identifiers: ClinVar variation 1492762 (VCV001492762.8), dbSNP rs2134153705, ClinGen allele CA382797545.